The following is an entry in ClinVar:

NM_001364905.1(LRBA):c.5834G>A (p.Arg1945His)

Gene: LRBA (LPS responsive beige-like anchor protein; minus strand). Cytogenetic location: 4q31.3.
Variant type: single nucleotide variant.
Coding change: c.5834G>A on transcript NM_001364905.1 (MANE Select); coding-DNA position 5834, G replaced by A.
Protein change: p.Arg1945His; replaces arginine 1945 with histidine.
Molecular consequence: missense variant.
Genome position (GRCh38, 1-based): chr4:150,683,638, C>T on the plus strand (G>A on the coding strand, the complement: LRBA is on the minus strand). VCF-style: chr4-150683638-C-T. GRCh37 (hg19) VCF-style: chr4-151604790-C-T.
Other names: c.5834G>A, p.Arg1945His (NM_001199282.3, NM_001367550.1, NM_006726.5); short protein forms R1945H.
Identifiers: ClinVar variation 1920993 (VCV001920993.5), dbSNP rs149343700, ClinGen allele CA3102333.

ClinVar aggregate classification (germline): Uncertain significance (1 of 4 stars; one submission).

Conditions:
Combined immunodeficiency due to LRBA deficiency. Also called: Common variable immunodeficiency 8, with autoimmunity. Identifiers: Orphanet 445018, MedGen C3553512, MONDO:0013863, OMIM 614700.

Allele frequency attached by ClinVar (database versions not stated): TOPMed below 0.00001; gnomAD exomes 0.00001; ExAC 0.00003; gnomAD 0.00003; 1000 Genomes Project 0.00020; 1000 Genomes Project 30x 0.00031.
gnomAD v4.1: 16 of 1,613,216 alleles (0.00099%); highest among the groups gnomAD compares: Admixed American, 0.0033%; no homozygotes.

Submission:

Labcorp Genetics (formerly Invitae), Labcorp
Classification: Uncertain significance for Combined immunodeficiency due to LRBA deficiency. Last evaluated: 2022-03-03. Review status: criteria provided, single submitter. Criteria: Invitae Variant Classification Sherloc (09022015). Collection method: clinical testing. Allele origin: germline.
Comment: This sequence change replaces arginine, which is basic and polar, with histidine, which is basic and polar, at codon 1945 of the LRBA protein (p.Arg1945His). This variant is present in population databases (rs149343700, gnomAD 0.006%). This variant has not been reported in the literature in individuals affected with LRBA-related conditions. Algorithms developed to predict the effect of missense changes on protein structure and function are either unavailable or do not agree on the potential impact of this missense change (SIFT: "Tolerated"; PolyPhen-2: "Probably Damaging"; Align-GVGD: "Class C0"). In summary, the available evidence is currently insufficient to determine the role of this variant in disease. Therefore, it has been classified as a Variant of Uncertain Significance.